The following is an entry in ClinVar:

NM_003738.5(PTCH2):c.1427A>G (p.His476Arg)

Gene: PTCH2 (patched 2; minus strand). Cytogenetic location: 1p34.1.
Variant type: single nucleotide variant.
Coding change: c.1427A>G on transcript NM_003738.5 (MANE Select); coding-DNA position 1427, A replaced by G.
Protein change: p.His476Arg; replaces histidine 476 with arginine.
Molecular consequence: missense variant.
Genome position (GRCh38, 1-based): chr1:44,829,019, T>C on the plus strand (A>G on the coding strand, the complement: PTCH2 is on the minus strand). VCF-style: chr1-44829019-T-C. GRCh37 (hg19) VCF-style: chr1-45294691-T-C.
Other names: c.1427A>G, p.His476Arg (NM_001166292.2); short protein forms H476R.
Identifiers: ClinVar variation 844614 (VCV000844614.10), dbSNP rs1653296842, ClinGen allele CA340102627.

ClinVar aggregate classification (germline): Uncertain significance (1 of 4 stars; one submission).

Conditions:
Gorlin syndrome. Also called: Nevoid Basal Cell Carcinoma Syndrome; Basal cell nevus syndrome. Identifiers: Orphanet 377, MedGen C0004779, MONDO:0007187.

Allele frequency attached by ClinVar (database versions not stated): gnomAD exomes below 0.00001.
gnomAD v4.1: 3 of 1,577,346 alleles (0.00019%); highest among the groups gnomAD compares: Non-Finnish European, 0.00026%; no homozygotes.

Submission:

Labcorp Genetics (formerly Invitae), Labcorp
Classification: Uncertain significance for Gorlin syndrome. Last evaluated: 2024-07-19. Review status: criteria provided, single submitter. Criteria: Invitae Variant Classification Sherloc (09022015). Collection method: clinical testing. Allele origin: germline.
Comment: This sequence change replaces histidine, which is basic and polar, with arginine, which is basic and polar, at codon 476 of the PTCH2 protein (p.His476Arg). This variant is not present in population databases (gnomAD no frequency). This variant has not been reported in the literature in individuals affected with PTCH2-related conditions. ClinVar contains an entry for this variant (Variation ID: 844614). Advanced modeling of protein sequence and biophysical properties (such as structural, functional, and spatial information, amino acid conservation, physicochemical variation, residue mobility, and thermodynamic stability) has been performed at Invitae for this missense variant, however the output from this modeling did not meet the statistical confidence thresholds required to predict the impact of this variant on PTCH2 protein function. In summary, the available evidence is currently insufficient to determine the role of this variant in disease. Therefore, it has been classified as a Variant of Uncertain Significance.